The following is an entry in ClinVar:

ClinVar aggregate classification (germline): Benign (0 of 4 stars; one submission).

Conditions:
FAT3-related disorder. Also called: FAT3-related condition.

Allele frequency attached by ClinVar (database versions not stated): 1000 Genomes Project 0.01637; 1000 Genomes Project 30x 0.01640; gnomAD 0.03280; ExAC 0.03377; TOPMed 0.03554; ESP Exome Variant Server 0.03597.
gnomAD v4.1: 68,968 of 1,613,760 alleles (4.3%); highest among the groups gnomAD compares: Middle Eastern, 6.3%; 1,713 homozygotes.

Submission:

PreventionGenetics, part of Exact Sciences
Classification: Benign for FAT3-related condition. Last evaluated: 2020-02-26. Review status: no assertion criteria provided. Collection method: clinical testing. Allele origin: germline.
Comment: This variant is classified as benign based on ACMG/AMP sequence variant interpretation guidelines (Richards et al. 2015 PMID: 25741868, with internal and published modifications).

NM_001367949.2(FAT3):c.8983C>A (p.Gln2995Lys)

Gene: FAT3 (FAT atypical cadherin 3; plus strand). Cytogenetic location: 11q14.3.
Variant type: single nucleotide variant.
Coding change: c.8983C>A on transcript NM_001367949.2 (MANE Select); coding-DNA position 8983, C replaced by A.
Protein change: p.Gln2995Lys; replaces glutamine 2995 with lysine.
Molecular consequence: missense variant.
Genome position (GRCh38, 1-based): chr11:92,805,239, C>A. VCF-style: chr11-92805239-C-A. GRCh37 (hg19) VCF-style: chr11-92538405-C-A.
Other names: c.8983C>A, p.Gln2995Lys (NM_001008781.3); short protein forms Q2995K.
Identifiers: ClinVar variation 3056919 (VCV003056919.2), dbSNP rs62622785, ClinGen allele CA6227760.